The following is an entry in ClinVar:

ClinVar aggregate classification (germline): Likely benign (0 of 4 stars; one submission).

Conditions:
BPNT2-related disorder. Also called: BPNT2-related condition.

Submission:

PreventionGenetics, part of Exact Sciences
Classification: Likely benign for BPNT2-related condition. Last evaluated: 2019-04-22. Review status: no assertion criteria provided. Collection method: clinical testing. Allele origin: germline.
Comment: This variant is classified as likely benign based on ACMG/AMP sequence variant interpretation guidelines (Richards et al. 2015 PMID: 25741868, with internal and published modifications).

NM_017813.5(BPNT2):c.153G>C (p.Gly51=)

Genes: BPNT2 (3'(2'), 5'-bisphosphate nucleotidase 2; minus strand), LOC130000433 (ATAC-STARR-seq lymphoblastoid silent region 19212; plus strand). Cytogenetic location: 8q12.1.
Variant type: single nucleotide variant.
Coding change: c.153G>C on transcript NM_017813.5 (MANE Select); coding-DNA position 153, G replaced by C.
Protein change: p.Gly51=; no amino-acid change (glycine 51 retained).
Molecular consequence: synonymous variant.
Genome position (GRCh38, 1-based): chr8:56,993,433, C>G on the plus strand (G>C on the coding strand, the complement: BPNT2 is on the minus strand). VCF-style: chr8-56993433-C-G. GRCh37 (hg19) VCF-style: chr8-57905992-C-G.
Identifiers: ClinVar variation 3053807 (VCV003053807.2), dbSNP rs771799837, ClinGen allele CA461111158.